The following is an entry in ClinVar:

ClinVar aggregate classification (germline): Uncertain significance (1 of 4 stars; one submission).

Conditions:
Intellectual developmental disorder, X-linked 1. Also called: Atkin Flaitz Patil Smith syndrome; MENTAL RETARDATION, X-LINKED 18; MENTAL RETARDATION, X-LINKED 78; Intellectual disability, X-linked 1. Identifiers: Orphanet 777, MedGen C2931498, MONDO:0010656, OMIM 309530.

Submission:

Labcorp Genetics (formerly Invitae), Labcorp
Classification: Uncertain significance for Intellectual developmental disorder, X-linked 1. Last evaluated: 2022-12-05. Review status: criteria provided, single submitter. Criteria: Invitae Variant Classification Sherloc (09022015). Collection method: clinical testing. Allele origin: germline.
Comment: In summary, the available evidence is currently insufficient to determine the role of this variant in disease. Therefore, it has been classified as a Variant of Uncertain Significance. Advanced modeling of protein sequence and biophysical properties (such as structural, functional, and spatial information, amino acid conservation, physicochemical variation, residue mobility, and thermodynamic stability) performed at Invitae indicates that this missense variant is not expected to disrupt IQSEC2 protein function. This variant has not been reported in the literature in individuals affected with IQSEC2-related conditions. This variant is not present in population databases (gnomAD no frequency). This sequence change replaces alanine, which is neutral and non-polar, with threonine, which is neutral and polar, at codon 286 of the IQSEC2 protein (p.Ala286Thr).

NM_001111125.3(IQSEC2):c.856G>A (p.Ala286Thr)

Gene: IQSEC2 (IQ motif and Sec7 domain ArfGEF 2; minus strand). Cytogenetic location: Xp11.22.
Variant type: single nucleotide variant.
Coding change: c.856G>A on transcript NM_001111125.3 (MANE Select); coding-DNA position 856, G replaced by A.
Protein change: p.Ala286Thr; replaces alanine 286 with threonine.
Molecular consequence: missense variant.
Genome position (GRCh38, 1-based): chrX:53,255,943, C>T on the plus strand (G>A on the coding strand, the complement: IQSEC2 is on the minus strand). VCF-style: chrX-53255943-C-T. GRCh37 (hg19) VCF-style: chrX-53285125-C-T.
Other names: c.856G>A, p.Ala286Thr (NM_001410736.1); c.241G>A, p.Ala81Thr (NM_015075.2); short protein forms A286T, A81T.
Identifiers: ClinVar variation 2007132 (VCV002007132.4), dbSNP rs2519852186, ClinGen allele CA413171783.